The following is an entry in ClinVar:

NM_015466.4(PTPN23):c.622G>A (p.Ala208Thr)

Gene: PTPN23 (protein tyrosine phosphatase non-receptor type 23; plus strand). Cytogenetic location: 3p21.31.
Variant type: single nucleotide variant.
Coding change: c.622G>A on transcript NM_015466.4 (MANE Select); coding-DNA position 622, G replaced by A.
Protein change: p.Ala208Thr; replaces alanine 208 with threonine.
Molecular consequence: missense variant.
Genome position (GRCh38, 1-based): chr3:47,406,400, G>A. VCF-style: chr3-47406400-G-A. GRCh37 (hg19) VCF-style: chr3-47447890-G-A.
Other names: c.244G>A, p.Ala82Thr (NM_001304482.2); short protein forms A208T, A82T.
Identifiers: ClinVar variation 1470249 (VCV001470249.5), dbSNP rs776631200, ClinGen allele CA2365400.

ClinVar aggregate classification (germline): Uncertain significance (1 of 4 stars; one submission).

Allele frequency attached by ClinVar (database versions not stated): gnomAD exomes 0.00001; TOPMed 0.00001; ExAC 0.00002.
gnomAD v4.1: 3 of 1,613,988 alleles (0.00019%); highest among the groups gnomAD compares: Admixed American, 0.0017%; no homozygotes.

Submission:

Labcorp Genetics (formerly Invitae), Labcorp
Classification: Uncertain significance. Last evaluated: 2021-09-01. Review status: criteria provided, single submitter. Criteria: Invitae Variant Classification Sherloc (09022015). Collection method: clinical testing. Allele origin: germline.
Comment: This sequence change replaces alanine with threonine at codon 208 of the PTPN23 protein (p.Ala208Thr). The alanine residue is highly conserved and there is a small physicochemical difference between alanine and threonine. This variant is present in population databases (rs776631200, ExAC 0.003%). This variant has not been reported in the literature in individuals affected with PTPN23-related conditions. Algorithms developed to predict the effect of missense changes on protein structure and function are either unavailable or do not agree on the potential impact of this missense change (SIFT: "Tolerated"; PolyPhen-2: "Not Available"; Align-GVGD: "Class C0"). In summary, the available evidence is currently insufficient to determine the role of this variant in disease. Therefore, it has been classified as a Variant of Uncertain Significance.